The following is an entry in ClinVar:

NM_001384140.1(PCDH15):c.3276T>C (p.Asn1092=)

Gene: PCDH15 (protocadherin related 15; minus strand). Cytogenetic location: 10q21.1.
Variant type: single nucleotide variant.
Coding change: c.3276T>C on transcript NM_001384140.1 (MANE Select); coding-DNA position 3276, T replaced by C.
Protein change: p.Asn1092=; no amino-acid change (asparagine 1092 retained).
Molecular consequence: synonymous variant.
Genome position (GRCh38, 1-based): chr10:53,938,912, A>G on the plus strand (T>C on the coding strand, the complement: PCDH15 is on the minus strand). VCF-style: chr10-53938912-A-G. GRCh37 (hg19) VCF-style: chr10-55698672-A-G.
Other names: c.3291T>C, p.Asn1097= (NM_001142763.2, NM_001142771.2); c.3276T>C, p.Asn1092= (NM_001142764.2, NM_001142766.2, NM_001142770.3 and 4 more transcripts); c.3063T>C, p.Asn1021= (NM_001142765.2); c.3165T>C, p.Asn1055= (NM_001142767.2); c.3210T>C, p.Asn1070= (NM_001142768.2, NM_001142773.2, NM_001354404.2); c.3312T>C, p.Asn1104= (NM_001142769.4); c.3297T>C, p.Asn1099= (NM_001354411.2).
Identifiers: ClinVar variation 506095 (VCV000506095.12), dbSNP rs772160626, ClinGen allele CA5505754.

ClinVar aggregate classification (germline): Likely benign. Review status: criteria provided, multiple submitters, no conflicts (2 of 4 stars). 2 submissions from 2 submitters: Likely benign (2). Last evaluated 2024-05-23.

Allele frequency attached by ClinVar (database versions not stated): ExAC 0.00001; gnomAD exomes 0.00001.
gnomAD v4.1: 13 of 1,613,334 alleles (0.00081%); highest among the groups gnomAD compares: Non-Finnish European, 0.0011%; no homozygotes.

Submissions (2):

Labcorp Genetics (formerly Invitae), Labcorp
Classification: Likely benign. Last evaluated: 2024-05-23. Review status: criteria provided, single submitter. Criteria: Invitae Variant Classification Sherloc (09022015). Collection method: clinical testing. Allele origin: germline.

Laboratory for Molecular Medicine, Mass General Brigham Personalized Medicine
Classification: Likely benign. Last evaluated: 2017-09-14. Review status: criteria provided, single submitter. Criteria: LMM Criteria. Collection method: clinical testing. Allele origin: germline. Observed: 1 variant allele.
Comment: p.Asn1092Asn in exon 25 of PCDH15: This variant is not expected to have clinical significance because it does not alter an amino acid residue and is not located within the splice consensus sequence. It has been identified in 2/111456 Europe an chromosomes by the Genome Aggregation Database (gnomAD; dbSNP rs772160626).